The following is an entry in ClinVar:

NM_000156.6(GAMT):c.570+4C>T

Gene: GAMT (guanidinoacetate N-methyltransferase; minus strand). Cytogenetic location: 19p13.3.
Variant type: single nucleotide variant.
Coding change: c.570+4C>T on transcript NM_000156.6 (MANE Select); 4 bases into the intron after coding-DNA position 570, C replaced by T.
Molecular consequence: intron variant. On other transcripts: missense variant (1).
Genome position (GRCh38, 1-based): chr19:1,398,912, G>A on the plus strand (C>T on the coding strand, the complement: GAMT is on the minus strand). VCF-style: chr19-1398912-G-A. GRCh37 (hg19) VCF-style: chr19-1398911-G-A.
Other names: c.574C>T, p.Arg192Cys (NM_138924.3); short protein forms R192C.
Identifiers: ClinVar variation 582572 (VCV000582572.16), dbSNP rs199967562, ClinGen allele CA9043611.

ClinVar aggregate classification (germline): Likely benign. Review status: reviewed by expert panel (3 of 4 stars). 7 submissions from 7 submitters: Likely benign (1). 6 of the submissions do not count toward it. Last evaluated 2025-04-16.

Conditions:
Cerebral creatine deficiency syndrome. Also called: Creatine deficiency syndromes. Identifiers: Orphanet 79172, MedGen C5244016, MONDO:0000456.
Deficiency of guanidinoacetate methyltransferase (CCDS2). Also called: GAMT DEFICIENCY; Guanidinoacetate Methyltransferase (GAMT) Deficiency; CEREBRAL CREATINE DEFICIENCY SYNDROME 2. Identifiers: Orphanet 382, MedGen C0574080, MONDO:0012999, OMIM 612736.
Inborn genetic diseases. Identifiers: MedGen C0950123, MeSH D030342.

Allele frequency attached by ClinVar (database versions not stated): gnomAD exomes 0.00008; ExAC 0.00010; gnomAD 0.00036 and 0.00039; TOPMed 0.00051; ESP Exome Variant Server 0.00100.
gnomAD v4.1: 107 of 1,613,158 alleles (0.0066%); highest among the groups gnomAD compares: African/African-American, 0.11%; no homozygotes.

Submissions (7):

ClinGen Cerebral Creatine Deficiency Syndromes Variant Curation Expert Panel, ClinGen
Classification: Likely benign for Deficiency of guanidinoacetate methyltransferase. Last evaluated: 2025-04-16. Review status: reviewed by expert panel. Criteria: ClinGen CCDS ACMG Specifications GAMT V2.0.0. Collection method: curation. Allele origin: germline. Inheritance: Autosomal recessive inheritance.
Comment: The NM_000156.6:c.570+4C>T variant in GAMT is an intronic variant affecting a nucleotide within the consensus splice site of intron 5. To our knowledge, this variant has not been reported in the literature and results of functional studies are unavailable. The highest population frequency in gnomAD v4.1.0. is 0.001148 (86/74912 alleles; no homozygotes) in the African / African American population, which is higher than the ClinGen CCDS VCEP’s threshold for BS1 (>0.001), and therefore meets this criterion (BS1). The computational splicing predictor SpliceAI gives a score of 0.01 for donor loss and suggests that the variant has no impact on splicing (BP4). There is a ClinVar entry for this variant (Variation ID: 582572). In summary, this variant meets the criteria to be classified as likely benign for GAMT deficiency. GAMT-specific ACMG/AMP codes met, as specified by the ClinGen Cerebral Creatine Deficiency Syndromes VCEP (Specifications Version 2.0.0): BS1, BP4. (Classification approved by the ClinGen Creatine Deficiency Syndromes Variant Curation Expert Panel on April 16, 2025)

Ambry Genetics
Classification: Uncertain significance for Inborn genetic diseases. Last evaluated: 2026-06-01. Review status: criteria provided, single submitter. Criteria: Ambry Variant Classification Scheme 2023. Collection method: clinical testing. Allele origin: germline. Not counted in ClinVar's aggregate classification.
Comment: The c.570+4C>T intronic alteration consists of a C to T substitution nucleotides after coding exon 5 in the GAMT gene. Based on data from gnomAD, the T allele has an overall frequency of 0.01% (29/281524) total alleles studied. The highest observed frequency was 0.101% (25/24798) of African alleles. Based on insufficient or conflicting evidence, the clinical significance of this alteration remains unclear.

Blueprint Genetics
Classification: Uncertain significance. Last evaluated: 2022-10-14. Review status: criteria provided, single submitter. Criteria: ACMG Guidelines, 2015. Collection method: clinical testing. Allele origin: germline. Not counted in ClinVar's aggregate classification.

Labcorp Genetics (formerly Invitae), Labcorp
Classification: Uncertain significance for Cerebral creatine deficiency syndrome. Last evaluated: 2022-08-10. Review status: criteria provided, single submitter. Criteria: Invitae Variant Classification Sherloc (09022015). Collection method: clinical testing. Allele origin: germline. Not counted in ClinVar's aggregate classification.
Comment: This sequence change falls in intron 5 of the GAMT gene. It does not directly change the encoded amino acid sequence of the GAMT protein. It affects a nucleotide within the consensus splice site. This variant is present in population databases (rs199967562, gnomAD 0.1%). This variant has not been reported in the literature in individuals affected with GAMT-related conditions. ClinVar contains an entry for this variant (Variation ID: 582572). Variants that disrupt the consensus splice site are a relatively common cause of aberrant splicing (PMID: 17576681, 9536098). Algorithms developed to predict the effect of sequence changes on RNA splicing suggest that this variant is not likely to affect RNA splicing. In summary, the available evidence is currently insufficient to determine the role of this variant in disease. Therefore, it has been classified as a Variant of Uncertain Significance.

New York Genome Center
Classification: Uncertain significance for Deficiency of guanidinoacetate methyltransferase. Last evaluated: 2021-09-10. Review status: criteria provided, single submitter. Criteria: NYGC Assertion Criteria 2020. Collection method: clinical testing. Allele origin: germline. Observed: 1 heterozygote. Study: CSER-NYCKidSeq. Not counted in ClinVar's aggregate classification.

GeneDx
Classification: Benign. Last evaluated: 2015-03-03. Review status: criteria provided, single submitter. Criteria: GeneDx Variant Classification Process June 2021. Collection method: clinical testing. Allele origin: germline. Affected: yes. Not counted in ClinVar's aggregate classification.

Natera, Inc.
Classification: Uncertain significance for Guanidinoacetate methyltransferase deficiency. Last evaluated: 2020-09-16. Review status: no assertion criteria provided. Collection method: clinical testing. Allele origin: germline. Not counted in ClinVar's aggregate classification.

Literature cited by the submitters: PubMed 17576681 (cited by Labcorp Genetics (formerly Invitae), Labcorp); PubMed 9536098 (cited by Labcorp Genetics (formerly Invitae), Labcorp).